The following is an entry in ClinVar:

ClinVar aggregate classification (germline): Uncertain significance. Review status: criteria provided, multiple submitters, no conflicts (2 of 4 stars). 6 submissions from 6 submitters: Uncertain significance (5). 1 of the submissions does not count toward it. Last evaluated 2026-03-31.

Conditions:
Zellweger spectrum disorders (ZS). Also called: Zellweger syndrome; Zellweger Spectrum Disorder (ZSD); Zellweger Spectrum Disorder; Zellweger Spectrum. Identifiers: Orphanet 912, MedGen C0043459, MONDO:0019609.
PEX10-related disorder. Also called: PEX10-related condition.
Inborn genetic diseases. Identifiers: MedGen C0950123, MeSH D030342.
Peroxisome biogenesis disorder, complementation group 7 (CG7). Also called: Peroxisome biogenesis disorder, complementation group B. Identifiers: MedGen C1864399.

Allele frequency attached by ClinVar (database versions not stated): gnomAD exomes 0.00001; gnomAD 0.00008 and 0.00009; TOPMed 0.00036; 1000 Genomes Project 0.00040; 1000 Genomes Project 30x 0.00047.
gnomAD v4.1: 33 of 1,610,640 alleles (0.002%); highest among the groups gnomAD compares: Admixed American, 0.042%; no homozygotes.

Submissions (6):

PreventionGenetics, part of Exact Sciences
Classification: Uncertain significance for PEX10-related condition. Last evaluated: 2026-03-31. Review status: criteria provided, single submitter. Criteria: ACMG Guidelines, 2015. Collection method: clinical testing. Allele origin: germline.
Comment: The PEX10 c.427C>T variant is predicted to result in the amino acid substitution p.Arg143Cys. To our knowledge, this variant has not been reported in the literature. This variant is reported in 0.011% of alleles in individuals of Latino descent in gnomAD. At this time, the clinical significance of this variant is uncertain due to the absence of conclusive functional and genetic evidence.

Ambry Genetics
Classification: Uncertain significance for Inborn genetic diseases. Last evaluated: 2025-07-16. Review status: criteria provided, single submitter. Criteria: Ambry Variant Classification Scheme 2023. Collection method: clinical testing. Allele origin: germline.

Labcorp Genetics (formerly Invitae), Labcorp
Classification: Uncertain significance for Peroxisome biogenesis disorder, complementation group 7. Last evaluated: 2025-01-15. Review status: criteria provided, single submitter. Criteria: Invitae Variant Classification Sherloc (09022015). Collection method: clinical testing. Allele origin: germline.
Comment: This sequence change replaces arginine, which is basic and polar, with cysteine, which is neutral and slightly polar, at codon 143 of the PEX10 protein (p.Arg143Cys). The frequency data for this variant in the population databases is considered unreliable, as metrics indicate poor data quality at this position in the gnomAD database. This variant has not been reported in the literature in individuals affected with PEX10-related conditions. ClinVar contains an entry for this variant (Variation ID: 499521). An algorithm developed to predict the effect of missense changes on protein structure and function (PolyPhen-2) suggests that this variant is likely to be disruptive. In summary, the available evidence is currently insufficient to determine the role of this variant in disease. Therefore, it has been classified as a Variant of Uncertain Significance.

Blueprint Genetics
Classification: Uncertain significance. Last evaluated: 2023-01-23. Review status: criteria provided, single submitter. Criteria: ACMG Guidelines, 2015. Collection method: clinical testing. Allele origin: germline.

Eurofins Ntd Llc (ga)
Classification: Uncertain significance. Last evaluated: 2017-01-13. Review status: criteria provided, single submitter. Criteria: EGL Classification Definitions 2015. Collection method: clinical testing. Allele origin: germline. Observed: 1 variant allele, 1 heterozygote.

Natera, Inc.
Classification: Uncertain significance for Zellweger syndrome. Last evaluated: 2019-10-28. Review status: no assertion criteria provided. Collection method: clinical testing. Allele origin: germline. Not counted in ClinVar's aggregate classification.

NM_002617.4(PEX10):c.427C>T (p.Arg143Cys)

Gene: PEX10 (peroxisomal biogenesis factor 10; minus strand). Cytogenetic location: 1p36.32.
Variant type: single nucleotide variant.
Coding change: c.427C>T on transcript NM_002617.4 (MANE Select); coding-DNA position 427, C replaced by T.
Protein change: p.Arg143Cys; replaces arginine 143 with cysteine.
Molecular consequence: missense variant. On other transcripts: 5 prime UTR variant (2), non-coding transcript variant (1).
Genome position (GRCh38, 1-based): chr1:2,408,625, G>A on the plus strand (C>T on the coding strand, the complement: PEX10 is on the minus strand). VCF-style: chr1-2408625-G-A. GRCh37 (hg19) VCF-style: chr1-2340064-G-A.
Other names: c.427C>T, p.Arg143Cys (NM_001374425.1, NM_153818.2); c.-6C>T (NM_001374426.1, NM_001374427.1); short protein forms R143C.
Identifiers: ClinVar variation 499521 (VCV000499521.13), dbSNP rs199667764, ClinGen allele CA538176.